The following is an entry in ClinVar:

ClinVar aggregate classification (germline): Uncertain significance (1 of 4 stars; one submission).

Conditions:
EGFR-related lung cancer (EGFR). Identifiers: MedGen CN130014.

Submission:

Labcorp Genetics (formerly Invitae), Labcorp
Classification: Uncertain significance for EGFR-related lung cancer. Last evaluated: 2023-04-20. Review status: criteria provided, single submitter. Criteria: Invitae Variant Classification Sherloc (09022015). Collection method: clinical testing. Allele origin: germline.
Comment: This sequence change falls in intron 5 of the EGFR gene. It does not directly change the encoded amino acid sequence of the EGFR protein. This variant is not present in population databases (gnomAD no frequency). This variant has not been reported in the literature in individuals affected with EGFR-related conditions. Algorithms developed to predict the effect of sequence changes on RNA splicing suggest that this variant may create or strengthen a splice site. In summary, the available evidence is currently insufficient to determine the role of this variant in disease. Therefore, it has been classified as a Variant of Uncertain Significance.

NM_005228.5(EGFR):c.629-5T>C

Gene: EGFR (epidermal growth factor receptor; plus strand). Cytogenetic location: 7p11.2.
Variant type: single nucleotide variant.
Coding change: c.629-5T>C on transcript NM_005228.5 (MANE Select); 5 bases into the intron before coding-DNA position 629, T replaced by C.
Molecular consequence: intron variant.
Genome position (GRCh38, 1-based): chr7:55,152,541, T>C. VCF-style: chr7-55152541-T-C. GRCh37 (hg19) VCF-style: chr7-55220234-T-C.
Other names: c.494-5T>C (NM_001346899.2, NM_001346897.2); c.89-3289T>C (NM_001346941.2); c.629-5T>C (NM_001346898.2, NM_201284.2, NM_201282.2 and 1 more transcripts); c.470-5T>C (NM_001346900.2).
Identifiers: ClinVar variation 2857846 (VCV002857846.3), dbSNP rs2535497838, ClinGen allele CA2739266428.
Genomic context (GRCh38, chr7:55,152,541, plus strand): 5'-GACATCCCTGGGAAATGATCCTACCCTCACTCTTCAGCTCACAGGGAACCTTTGCTCTTT[T>C]TCAGTGACCAAAATCATCTGTGCCCAGCAGTGCTCCGGGCGCTGCCGTGGCAAGTCCCCC-3'